The following is an entry in ClinVar:

ClinVar aggregate classification (germline): Benign/Likely benign. Review status: criteria provided, multiple submitters, no conflicts (2 of 4 stars). 4 submissions from 4 submitters: Benign (1); Likely benign (3). Last evaluated 2026-01-27.

Allele frequency attached by ClinVar (database versions not stated): gnomAD exomes 0.00010 and 0.00026; 1000 Genomes Project 30x 0.00031; ExAC 0.00031; 1000 Genomes Project 0.00040; ESP Exome Variant Server 0.00077; gnomAD 0.00096 and 0.00105; TOPMed 0.00121.
gnomAD v4.1: 312 of 1,614,144 alleles (0.019%); highest among the groups gnomAD compares: African/African-American, 0.34%; no homozygotes.

Submissions (4):

Labcorp Genetics (formerly Invitae), Labcorp
Classification: Benign. Last evaluated: 2026-01-27. Review status: criteria provided, single submitter. Criteria: Invitae Variant Classification Sherloc (09022015). Collection method: clinical testing. Allele origin: germline.

Mayo Clinic Laboratories, Mayo Clinic
Classification: Likely benign. Last evaluated: 2025-05-29. Review status: criteria provided, single submitter. Criteria: ACMG Guidelines, 2015. Collection method: clinical testing. Allele origin: germline. Observed: 1 variant allele.
Comment: BS1, BP4, BP7

GeneDx
Classification: Likely benign. Last evaluated: 2020-01-27. Review status: criteria provided, single submitter. Criteria: GeneDx Variant Classification Process June 2021. Collection method: clinical testing. Allele origin: germline. Affected: yes.

Breakthrough Genomics
Classification: Likely benign. Review status: criteria provided, single submitter. Criteria: ACMG Guidelines, 2015. Collection method: not provided. Allele origin: germline. Inheritance: Autosomal recessive inheritance. Affected: yes.

NM_002887.4(RARS1):c.1917A>G (p.Glu639=)

Gene: RARS1 (arginyl-tRNA synthetase 1; plus strand). Cytogenetic location: 5q34.
Variant type: single nucleotide variant.
Coding change: c.1917A>G on transcript NM_002887.4 (MANE Select); coding-DNA position 1917, A replaced by G.
Protein change: p.Glu639=; no amino-acid change (glutamic acid 639 retained).
Molecular consequence: synonymous variant.
Genome position (GRCh38, 1-based): chr5:168,519,124, A>G. VCF-style: chr5-168519124-A-G. GRCh37 (hg19) VCF-style: chr5-167946129-A-G.
Other names: p.Glu639=.
Identifiers: ClinVar variation 390905 (VCV000390905.9), dbSNP rs149294371, ClinGen allele CA3550076.